The following is an entry in ClinVar:

ClinVar aggregate classification (germline): Uncertain significance (1 of 4 stars; one submission).

gnomAD v4.1: 171 of 1,524,448 alleles (0.011%); highest among the groups gnomAD compares: African/African-American, 0.22%; no homozygotes.

Submission:

GeneDx
Classification: Uncertain significance. Last evaluated: 2024-05-08. Review status: criteria provided, single submitter. Criteria: GeneDx Variant Classification Process June 2021. Collection method: clinical testing. Allele origin: germline. Affected: yes.
Comment: In silico analysis supports that this missense variant has a deleterious effect on protein structure/function; Has not been previously published as pathogenic or benign to our knowledge

NM_024063.3(AFG2B):c.800C>T (p.Ala267Val)

Gene: AFG2B (AFG2 AAA ATPase homolog B; plus strand). Cytogenetic location: 15q21.1.
Variant type: single nucleotide variant.
Coding change: c.800C>T on transcript NM_024063.3 (MANE Select); coding-DNA position 800, C replaced by T.
Protein change: p.Ala267Val; replaces alanine 267 with valine.
Molecular consequence: missense variant. On other transcripts: non-coding transcript variant (5).
Genome position (GRCh38, 1-based): chr15:45,403,229, C>T. VCF-style: chr15-45403229-C-T. GRCh37 (hg19) VCF-style: chr15-45695427-C-T.
Other names: c.800C>T, p.Ala267Val (NM_001323640.2); short protein forms A267V.
Identifiers: ClinVar variation 3375825 (VCV003375825.1).